The following is an entry in ClinVar:

NM_006648.4(WNK2):c.5246C>T (p.Ser1749Leu)

Gene: WNK2 (WNK lysine deficient protein kinase 2; plus strand). Cytogenetic location: 9q22.31.
Variant type: single nucleotide variant.
Coding change: c.5246C>T on transcript NM_006648.4 (MANE Select); coding-DNA position 5246, C replaced by T.
Protein change: p.Ser1749Leu; replaces serine 1749 with leucine.
Molecular consequence: missense variant.
Genome position (GRCh38, 1-based): chr9:93,292,711, C>T. VCF-style: chr9-93292711-C-T. GRCh37 (hg19) VCF-style: chr9-96054993-C-T.
Other names: c.5357C>T, p.Ser1786Leu (NM_001282394.3); short protein forms S1749L, S1786L.
Identifiers: ClinVar variation 3470056 (VCV003470056.1).

ClinVar aggregate classification (germline): Uncertain significance (1 of 4 stars; one submission).

gnomAD v4.1: 133 of 1,565,978 alleles (0.0085%); highest among the groups gnomAD compares: Admixed American, 0.021%; no homozygotes.

Submission:

Ambry Genetics
Classification: Uncertain significance. Last evaluated: 2024-10-04. Review status: criteria provided, single submitter. Criteria: Ambry Variant Classification Scheme 2023. Collection method: clinical testing. Allele origin: germline.
Comment: The p.S1749L variant (also known as c.5246C>T), located in coding exon 22 of the WNK2 gene, results from a C to T substitution at nucleotide position 5246. The serine at codon 1749 is replaced by leucine, an amino acid with dissimilar properties. This amino acid position is conserved. In addition, the in silico prediction for this alteration is inconclusive. Based on the available evidence, the clinical significance of this variant remains unclear.